The following is an entry in ClinVar:

ClinVar aggregate classification (germline): Uncertain significance. Review status: criteria provided, multiple submitters, no conflicts (2 of 4 stars). 3 submissions from 3 submitters: Uncertain significance (3). Last evaluated 2026-09-23.

Conditions:
IFT74-related disorder. Also called: IFT74-related condition; IFT74-Related Disorders.
Inborn genetic diseases. Identifiers: MedGen C0950123, MeSH D030342.

Allele frequency attached by ClinVar (database versions not stated): TOPMed 0.00001; gnomAD 0.00002; gnomAD exomes 0.00010; ExAC 0.00015.
gnomAD v4.1: 144 of 1,607,796 alleles (0.009%); highest among the groups gnomAD compares: South Asian, 0.083%; no homozygotes.

Submissions (3):

PreventionGenetics, part of Exact Sciences
Classification: Uncertain significance for IFT74-related condition. Last evaluated: 2026-09-23. Review status: criteria provided, single submitter. Criteria: ACMG Guidelines, 2015. Collection method: clinical testing. Allele origin: germline.
Comment: The IFT74 c.151C>T variant is predicted to result in the amino acid substitution p.Arg51Cys. To our knowledge, this variant has not been reported in the literature. This variant is reported in 0.097% of alleles in individuals of South Asian descent in gnomAD. At this time, the clinical significance of this variant is uncertain due to the absence of conclusive functional and genetic evidence.

Labcorp Genetics (formerly Invitae), Labcorp
Classification: Uncertain significance. Last evaluated: 2026-01-14. Review status: criteria provided, single submitter. Criteria: Invitae Variant Classification Sherloc (09022015). Collection method: clinical testing. Allele origin: germline.
Comment: This sequence change replaces arginine, which is basic and polar, with cysteine, which is neutral and slightly polar, at codon 51 of the IFT74 protein (p.Arg51Cys). This variant is present in population databases (rs781437187, gnomAD 0.1%). This variant has not been reported in the literature in individuals affected with IFT74-related conditions. ClinVar contains an entry for this variant (Variation ID: 2493085). An algorithm developed to predict the effect of missense changes on protein structure and function (PolyPhen-2) suggests that this variant is likely to be disruptive. In summary, the available evidence is currently insufficient to determine the role of this variant in disease. Therefore, it has been classified as a Variant of Uncertain Significance.

Ambry Genetics
Classification: Uncertain significance for Inborn genetic diseases. Last evaluated: 2023-03-02. Review status: criteria provided, single submitter. Criteria: Ambry Variant Classification Scheme 2023. Collection method: clinical testing. Allele origin: germline.

NM_025103.4(IFT74):c.151C>T (p.Arg51Cys)

Gene: IFT74 (intraflagellar transport 74; plus strand). Cytogenetic location: 9p21.2.
Variant type: single nucleotide variant.
Coding change: c.151C>T on transcript NM_025103.4 (MANE Select); coding-DNA position 151, C replaced by T.
Protein change: p.Arg51Cys; replaces arginine 51 with cysteine.
Molecular consequence: missense variant.
Genome position (GRCh38, 1-based): chr9:26,978,158, C>T. VCF-style: chr9-26978158-C-T. GRCh37 (hg19) VCF-style: chr9-26978156-C-T.
Other names: c.151C>T (NM_025103.2); c.151C>T, p.Arg51Cys (NM_001099222.3, NM_001099223.3, NM_001099224.3 and 1 more transcripts); short protein forms R51C.
Identifiers: ClinVar variation 2493085 (VCV002493085.4), dbSNP rs781437187, ClinGen allele CA5014831.